The following is an entry in ClinVar:

NM_001042492.3(NF1):c.4337T>G (p.Leu1446Arg)

Gene: NF1 (neurofibromin 1; plus strand). Cytogenetic location: 17q11.2.
Variant type: single nucleotide variant.
Coding change: c.4337T>G on transcript NM_001042492.3 (MANE Select); coding-DNA position 4337, T replaced by G.
Protein change: p.Leu1446Arg; replaces leucine 1446 with arginine.
Molecular consequence: missense variant.
Genome position (GRCh38, 1-based): chr17:31,259,036, T>G. VCF-style: chr17-31259036-T-G. GRCh37 (hg19) VCF-style: chr17-29586054-T-G.
Other names: c.4274T>G, p.Leu1425Arg (NM_000267.4); short protein forms L1446R, L1425R.
Identifiers: ClinVar variation 2884069 (VCV002884069.3), dbSNP rs199474733, ClinGen allele CA398998690.

ClinVar aggregate classification (germline): Pathogenic (1 of 4 stars; one submission).

Conditions:
Neurofibromatosis, type 1 (NF1). Also called: Peripheral type neurofibromatosis; Neurofibromatosis, type I; VON RECKLINGHAUSEN DISEASE; NEUROFIBROMATOSIS, TYPE I, SOMATIC. Identifiers: Orphanet 636, MedGen C0027831, MONDO:0018975, OMIM 162200. Disease mechanism: loss of function.

Submission:

Labcorp Genetics (formerly Invitae), Labcorp
Classification: Pathogenic for Neurofibromatosis, type 1. Last evaluated: 2023-10-26. Review status: criteria provided, single submitter. Criteria: Invitae Variant Classification Sherloc (09022015). Collection method: clinical testing. Allele origin: germline.
Comment: This sequence change replaces leucine, which is neutral and non-polar, with arginine, which is basic and polar, at codon 1425 of the NF1 protein (p.Leu1425Arg). This variant is not present in population databases (gnomAD no frequency). This missense change has been observed in individual(s) with neurofibromatosis type 1 (PMID: 30530636). Advanced modeling of protein sequence and biophysical properties (such as structural, functional, and spatial information, amino acid conservation, physicochemical variation, residue mobility, and thermodynamic stability) performed at Invitae indicates that this missense variant is expected to disrupt NF1 protein function with a positive predictive value of 95%. This variant disrupts the p.Leu1425 amino acid residue in NF1. Other variant(s) that disrupt this residue have been determined to be pathogenic (PMID: 10220149, 10607834, 10712197, 31730495). This suggests that this residue is clinically significant, and that variants that disrupt this residue are likely to be disease-causing. For these reasons, this variant has been classified as Pathogenic.

Literature cited by the submitters: PubMed 30530636; PubMed 10220149; PubMed 10607834; PubMed 10712197; PubMed 31730495.